The following is an entry in ClinVar:

NM_005267.5(GJA8):c.227G>A (p.Arg76His)

Gene: GJA8 (gap junction protein alpha 8; plus strand). Cytogenetic location: 1q21.2.
Variant type: single nucleotide variant.
Coding change: c.227G>A on transcript NM_005267.5 (MANE Select); coding-DNA position 227, G replaced by A.
Protein change: p.Arg76His; replaces arginine 76 with histidine.
Molecular consequence: missense variant.
Genome position (GRCh38, 1-based): chr1:147,908,182, G>A. VCF-style: chr1-147908182-G-A. GRCh37 (hg19) VCF-style: chr1-147380309-G-A.
Other names: short protein forms R76H.
Identifiers: ClinVar variation 1328353 (VCV001328353.5), dbSNP rs2149015516, ClinGen allele CA342223601.
Genomic context (GRCh38, chr1:147,908,182, plus strand): 5'-CCCAGCAGCCTGGCTGCGAGAACGTCTGCTACGACGAGGCCTTTCCCATCTCCCACATTC[G>A]CCTCTGGGTGCTGCAGATCATCTTCGTCTCCACCCCGTCCCTGATGTACGTGGGGCACGC-3'
Protein context (NP_005258.2, residues 66-86): YDEAFPISHI[Arg76His]LWVLQIIFVS

ClinVar aggregate classification (germline): Likely pathogenic. Review status: criteria provided, multiple submitters, no conflicts (2 of 4 stars). 4 submissions from 4 submitters: Likely pathogenic (2). 2 of the submissions do not count toward it. Last evaluated 2025-12-18.

Conditions:
Cataract 1 multiple types. Also called: CATARACT, DUFFY-LINKED; CATARACT 1, MULTIPLE TYPES, WITH OR WITHOUT MICROCORNEA; CATARACT 1, NUCLEAR PROGRESSIVE; CATARACT 1 WITH MICROCORNEA; CATARACT 1, POSTERIOR SUBCAPSULAR, WITH MICROCORNEA; CATARACT 1, STELLATE NUCLEAR, WITH MICROCORNEA. Identifiers: Orphanet 1377, MedGen C1861828, MONDO:0007285, OMIM 116200.

Submissions (4):

Laboratorio de Genetica e Diagnostico Molecular, Hospital Israelita Albert Einstein
Classification: Likely pathogenic for Cataract 1 multiple types. Last evaluated: 2025-12-18. Review status: criteria provided, single submitter. Criteria: ACMG Guidelines, 2015. Collection method: clinical testing. Allele origin: germline. Affected: yes.
Comment: ACMG classification criteria: PS3 supporting, PS4 supporting, PM2 supporting, PP1 strong, PP3 supporting

Dept. Genetics and Cancer, Menzies Institute for Medical Research, University of Tasmania
Classification: Likely pathogenic for Cataract 1 multiple types. Last evaluated: 2023-01-21. Review status: criteria provided, single submitter. Criteria: ACMG Guidelines, 2015. Collection method: curation. Allele origin: germline. Affected: yes.
Comment: Variant identified and curated during a GJA8 specific review of the literature in relation to pediatric or congenital cataract. ACMG-AMP criteria applied: PP1(Strong), PS4(Supporting), PM1(Supporting), PM2(Supporting), PP3. Original variant report: PMID:27216975;30928190. The cataract phenotype reported for this variant is: Nuclear, and Zonular/lamellar with fine punctate. Gene review and curation guidelines are outlined in: DOI 10.1080/17469899.2023.2160320

Joint Genome Diagnostic Labs from Nijmegen and Maastricht, Radboudumc and MUMC+
Classification: Pathogenic. Review status: no assertion criteria provided. Collection method: clinical testing. Allele origin: germline. Affected: yes. Study: VKGL Data-share Consensus. Not counted in ClinVar's aggregate classification.

Laboratory of Diagnostic Genome Analysis, Leiden University Medical Center (LUMC)
Classification: Pathogenic. Review status: no assertion criteria provided. Collection method: clinical testing. Allele origin: germline. Affected: yes. Study: VKGL Data-share Consensus. Not counted in ClinVar's aggregate classification.

Literature cited by the submitters: PubMed 27216975 (cited by Dept. Genetics and Cancer, Menzies Institute for Medical Research, University of Tasmania); PubMed 30928190 (cited by Dept. Genetics and Cancer, Menzies Institute for Medical Research, University of Tasmania).